The following is an entry in ClinVar:

NM_002691.4(POLD1):c.2225A>T (p.Glu742Val)

Gene: POLD1 (DNA polymerase delta 1, catalytic subunit; plus strand). Cytogenetic location: 19q13.33.
Variant type: single nucleotide variant.
Coding change: c.2225A>T on transcript NM_002691.4 (MANE Select); coding-DNA position 2225, A replaced by T.
Protein change: p.Glu742Val; replaces glutamic acid 742 with valine.
Molecular consequence: missense variant. On other transcripts: non-coding transcript variant (1).
Genome position (GRCh38, 1-based): chr19:50,413,496, A>T. VCF-style: chr19-50413496-A-T. GRCh37 (hg19) VCF-style: chr19-50916753-A-T.
Other names: c.2225A>T, p.Glu742Val (NM_001256849.1); c.2303A>T, p.Glu768Val (NM_001308632.1); c.2225A>T (NM_002691.2); short protein forms E768V, E742V.
Identifiers: ClinVar variation 579516 (VCV000579516.8), dbSNP rs1568635044, ClinGen allele CA406983744.
Genomic context (GRCh38, chr19:50,413,496, plus strand): 5'-GGTTCGGACGTCAGATGATCGAGAAAACCAAGCAGCTGGTGGAGTCTAAGTACACAGTGG[A>T]GAATGGCTACAGCACCAGTGCCAAGGTCGGGGGCTGCCCACCGCTGCCCTGAGATGGGCC-3'
Protein context (NP_002682.2, residues 732-752): KQLVESKYTV[Glu742Val]NGYSTSAKVV

ClinVar aggregate classification (germline): Uncertain significance. Review status: criteria provided, multiple submitters, no conflicts (2 of 4 stars). 2 submissions from 2 submitters: Uncertain significance (2). Last evaluated 2023-06-18.

Conditions:
POLD1-related polyposis and colorectal cancer syndrome (CRCS10). Also called: Colorectal cancer 10; COLORECTAL CANCER, SUSCEPTIBILITY TO, ON CHROMOSOME 19q; Colorectal cancer, susceptibility to, 10. Identifiers: Orphanet 220460, MedGen C2675481, MONDO:0012953, OMIM 612591.
Hereditary cancer-predisposing syndrome. Also called: Tumor predisposition; Neoplastic Syndromes, Hereditary; Hereditary Cancer Syndrome; Hereditary neoplastic syndrome. Identifiers: Orphanet 140162, MedGen C0027672, MeSH D009386, MONDO:0015356.

Submissions (2):

Ambry Genetics
Classification: Uncertain significance for Hereditary cancer-predisposing syndrome. Last evaluated: 2023-06-18. Review status: criteria provided, single submitter. Criteria: Ambry Variant Classification Scheme 2023. Collection method: clinical testing. Allele origin: germline.
Comment: The p.E742V variant (also known as c.2225A>T), located in coding exon 17 of the POLD1 gene, results from an A to T substitution at nucleotide position 2225. The glutamic acid at codon 742 is replaced by valine, an amino acid with dissimilar properties. This amino acid position is conserved. In addition, this alteration is predicted to be tolerated by in silico analysis. Since supporting evidence is limited at this time, the clinical significance of this alteration remains unclear.

Labcorp Genetics (formerly Invitae), Labcorp
Classification: Uncertain significance for POLD1-related polyposis and colorectal cancer syndrome. Last evaluated: 2021-05-18. Review status: criteria provided, single submitter. Criteria: Invitae Variant Classification Sherloc (09022015). Collection method: clinical testing. Allele origin: germline.
Comment: In summary, the available evidence is currently insufficient to determine the role of this variant in disease. Therefore, it has been classified as a Variant of Uncertain Significance. Algorithms developed to predict the effect of sequence changes on RNA splicing suggest that this variant may create or strengthen a splice site, but this prediction has not been confirmed by published transcriptional studies. Algorithms developed to predict the effect of missense changes on protein structure and function (SIFT, PolyPhen-2, Align-GVGD) all suggest that this variant is likely to be tolerated, but these predictions have not been confirmed by published functional studies and their clinical significance is uncertain. This variant has not been reported in the literature in individuals with POLD1-related disease. This variant is not present in population databases (ExAC no frequency). This sequence change replaces glutamic acid with valine at codon 742 of the POLD1 protein (p.Glu742Val). The glutamic acid residue is weakly conserved and there is a moderate physicochemical difference between glutamic acid and valine.